The following is an entry in ClinVar:

NM_001164688.2(RD3):c.583G>T (p.Asp195Tyr)

Gene: RD3 (RD3 regulator of GUCY2D; minus strand). Cytogenetic location: 1q32.3.
Variant type: single nucleotide variant.
Coding change: c.583G>T on transcript NM_001164688.2 (MANE Select); coding-DNA position 583, G replaced by T.
Protein change: p.Asp195Tyr; replaces aspartic acid 195 with tyrosine.
Molecular consequence: missense variant.
Genome position (GRCh38, 1-based): chr1:211,479,041, C>A on the plus strand (G>T on the coding strand, the complement: RD3 is on the minus strand). VCF-style: chr1-211479041-C-A. GRCh37 (hg19) VCF-style: chr1-211652383-C-A.
Other names: c.583G>T, p.Asp195Tyr (NM_183059.3); short protein forms D195Y.
Identifiers: ClinVar variation 811120 (VCV000811120.9), dbSNP rs779496653, ClinGen allele CA1381038.
Genomic context (GRCh38, chr1:211,479,041, plus strand): 5'-GGCCTATCATTCCCCCTGCAGAAGGCTCCGCTTCTGGGCAGGGAAGCGGCCGGGGTCAGT[C>A]GGCTTTGGGCGCCCGGAATTCGGGCATGCTCCAGGACCGCAGTGGCGGCGGTGTGTCCCG-3'
Protein context (NP_001158160.1, residues 185-195): SMPEFRAPKA[Asp195Tyr]

ClinVar aggregate classification (germline): Uncertain significance. Review status: criteria provided, multiple submitters, no conflicts (2 of 4 stars). 2 submissions from 2 submitters: Uncertain significance (2). Last evaluated 2021-06-02.

Conditions:
Leber congenital amaurosis 12 (LCA12). Identifiers: Orphanet 65, MedGen C1857743, MONDO:0012525, OMIM 610612.

Allele frequency attached by ClinVar (database versions not stated): gnomAD 0.00002 and 0.00003; TOPMed 0.00003.
gnomAD v4.1: 70 of 1,596,960 alleles (0.0044%); highest among the groups gnomAD compares: Non-Finnish European, 0.0057%; no homozygotes.

Submissions (2):

Blueprint Genetics
Classification: Uncertain significance. Last evaluated: 2021-06-02. Review status: criteria provided, single submitter. Criteria: ACMG Guidelines, 2015. Collection method: clinical testing. Allele origin: germline.

ARUP Laboratories, Molecular Genetics and Genomics, ARUP Laboratories
Classification: Uncertain significance for Leber congenital amaurosis 12. Last evaluated: 2018-09-14. Review status: criteria provided, single submitter. Criteria: ARUP Molecular Germline Variant Investigation Process. Collection method: clinical testing. Allele origin: germline.
Comment: The RD3 c.583G>T; p.Asp195Tyr variant (rs779496653), to our knowledge, is not reported in the medical literature or in gene-specific databases. The variant is found in the general population in 5 out of 262894 alleles in the Genome Aggregation Database. Another variant in the same codon, p.Asp195Val, is found in the general population with an allele frequency of 1% (2509/262664 allele, including 29 homozygotes) and is described as benign or likely benign in the ClinVar database (Variation ID: 445480). The aspartic acid at this position is highly conserved but computational analyses (SIFT: Damaging, PolyPhen-2:Benign) predict conflicting effects of this variant on protein structure/function. Although there are indications that this variant may not be pathogenic, the clinical significance of this variant is uncertain at this time. Pathogenic RD3 variants are causative for autosomal recessive Leber congenital amaurosis (MIM: 610612).